The following is an entry in ClinVar:

ClinVar aggregate classification (germline): Likely pathogenic (1 of 4 stars; one submission).

Submission:

GeneDx
Classification: Likely pathogenic. Last evaluated: 2024-05-20. Review status: criteria provided, single submitter. Criteria: GeneDx Variant Classification Process June 2021. Collection method: clinical testing. Allele origin: germline. Affected: yes.
Comment: Observed with a pathogenic BEST1 variant in an individual diagnosed with autosomal recessive bestrophinopathy, but it is not known whether the variants occurred on the same (in cis) or on different (in trans) chromosomes (PMID: 18985398); Frameshift variant predicted to result in protein truncation or nonsense mediated decay in a gene for which loss of function is a known mechanism of disease; Not observed at significant frequency in large population cohorts (gnomAD); This variant is associated with the following publications: (PMID: 21273940, 18985398)

NM_004183.4(BEST1):c.266_282del (p.Val89fs)

Gene: BEST1 (bestrophin 1; plus strand). Cytogenetic location: 11q12.3.
Variant type: Deletion.
Coding change: c.266_282del on transcript NM_004183.4 (MANE Select); coding-DNA positions 266 to 282, 17 bases deleted (TCGTGACCCGCTGGTGG).
Protein change: p.Val89fs; shifts the reading frame from valine 89.
Molecular consequence: frameshift variant. On other transcripts: non-coding transcript variant (1).
Genome position (GRCh38, 1-based): chr11:61,955,736-61,955,752, TCGTGACCCGCTGGTGG deleted; deleting any 17 consecutive bases within chr11:61,955,733-61,955,752 gives the same sequence; the c. name uses the placement nearest the transcript's 3' end. VCF-style (leftmost placement, unchanged base first): chr11-61955732-CTGGTCGTGACCCGCTGG-C. GRCh37 (hg19) VCF-style: chr11-61723204-CTGGTCGTGACCCGCTGG-C.
Other names: c.86_102del17, p.Val29Glufs (NM_001139443.3); c.86_102del, p.Val29fs (NM_001300786.2, NM_001300787.2); c.-53_-37del17 (NM_001363591.3); c.266_282del17, p.Val89Glufs (NM_001363592.2); c.-910_-894del17 (NM_001363593.3); short protein forms V29fs, V89fs.
Identifiers: ClinVar variation 3381370 (VCV003381370.1).